The following is an entry in ClinVar:

ClinVar aggregate classification (germline): Uncertain significance. Review status: criteria provided, multiple submitters, no conflicts (2 of 4 stars). 3 submissions from 3 submitters: Uncertain significance (3). Last evaluated 2026-01-04.

Conditions:
Hereditary cancer-predisposing syndrome. Also called: Tumor predisposition; Neoplastic Syndromes, Hereditary; Hereditary neoplastic syndrome; Hereditary Cancer Syndrome. Identifiers: Orphanet 140162, MedGen C0027672, MeSH D009386, MONDO:0015356.
Ataxia-telangiectasia syndrome (AT). Also called: Ataxia-telangiectasia, complementation group D; AT, COMPLEMENTATION GROUP C; ATAXIA-TELANGIECTASIA, COMPLEMENTATION GROUP A; ATAXIA-TELANGIECTASIA, FRESNO VARIANT; Ataxia-telangiectasia; Ataxia telangiectasia (A-T). Identifiers: Orphanet 100, MedGen C0004135, MONDO:0008840, OMIM 208900.

Allele frequency attached by ClinVar (database versions not stated): gnomAD exomes below 0.00001.

Submissions (3):

Labcorp Genetics (formerly Invitae), Labcorp
Classification: Uncertain significance for Ataxia-telangiectasia syndrome. Last evaluated: 2026-01-04. Review status: criteria provided, single submitter. Criteria: Invitae Variant Classification Sherloc (09022015). Collection method: clinical testing. Allele origin: germline.
Comment: This sequence change replaces glutamine, which is neutral and polar, with proline, which is neutral and non-polar, at codon 2197 of the ATM protein (p.Gln2197Pro). This variant is present in population databases (no rsID available, gnomAD 0.006%). This variant has not been reported in the literature in individuals affected with ATM-related conditions. ClinVar contains an entry for this variant (Variation ID: 928050). Invitae Evidence Modeling of protein sequence and biophysical properties (such as structural, functional, and spatial information, amino acid conservation, physicochemical variation, residue mobility, and thermodynamic stability) indicates that this missense variant is not expected to disrupt ATM protein function with a negative predictive value of 95%. In summary, the available evidence is currently insufficient to determine the role of this variant in disease. Therefore, it has been classified as a Variant of Uncertain Significance.

Ambry Genetics
Classification: Uncertain significance for Hereditary cancer-predisposing syndrome. Last evaluated: 2025-03-26. Review status: criteria provided, single submitter. Criteria: Ambry Variant Classification Scheme 2023. Collection method: clinical testing. Allele origin: germline.
Comment: The p.Q2197P variant (also known as c.6590A>C), located in coding exon 45 of the ATM gene, results from an A to C substitution at nucleotide position 6590. The glutamine at codon 2197 is replaced by proline, an amino acid with similar properties. This amino acid position is conserved. In addition, this alteration is predicted to be tolerated by in silico analysis. Based on the available evidence, the clinical significance of this variant remains unclear.

Color Diagnostics, LLC DBA Color Health
Classification: Uncertain significance for Hereditary cancer-predisposing syndrome. Last evaluated: 2023-12-05. Review status: criteria provided, single submitter. Criteria: ACMG Guidelines, 2015. Collection method: clinical testing. Allele origin: germline.
Comment: This missense variant replaces glutamine with proline at codon 2197 of the ATM protein. Computational prediction suggests that this variant may not impact protein structure and function (internally defined REVEL score threshold <= 0.5, PMID: 27666373). To our knowledge, functional studies have not been reported for this variant. This variant has not been reported in individuals affected with ATM-related disorders in the literature. This variant has been identified in 1/250784 chromosomes in the general population by the Genome Aggregation Database (gnomAD). The available evidence is insufficient to determine the role of this variant in disease conclusively. Therefore, this variant is classified as a Variant of Uncertain Significance.

NM_000051.4(ATM):c.6590A>C (p.Gln2197Pro)

Genes: ATM (ATM serine/threonine kinase; plus strand), C11orf65 (chromosome 11 open reading frame 65; minus strand). Cytogenetic location: 11q22.3.
Variant type: single nucleotide variant.
Coding change: c.6590A>C on transcript NM_000051.4 (MANE Select); coding-DNA position 6590, A replaced by C.
Protein change: p.Gln2197Pro; replaces glutamine 2197 with proline.
Molecular consequence: missense variant. On other transcripts: intron variant (2).
Genome position (GRCh38, 1-based): chr11:108,325,327, A>C. VCF-style: chr11-108325327-A-C. GRCh37 (hg19) VCF-style: chr11-108196054-A-C.
Other names: c.6590A>C, p.Gln2197Pro (NM_001351834.2); c.641-16256T>G (NM_001330368.2); c.*38+9893T>G (NM_001351110.2); short protein forms Q2197P.
Identifiers: ClinVar variation 928050 (VCV000928050.13), dbSNP rs1412850323, ClinGen allele CA382554677.